The following is an entry in ClinVar:

ClinVar aggregate classification (germline): Uncertain significance. Review status: criteria provided, multiple submitters, no conflicts (2 of 4 stars). 3 submissions from 3 submitters: Uncertain significance (3). Last evaluated 2025-04-10.

Conditions:
Inborn genetic diseases. Identifiers: MedGen C0950123, MeSH D030342.

Allele frequency attached by ClinVar (database versions not stated): TOPMed 0.00001.
gnomAD v4.1: 61 of 1,613,096 alleles (0.0038%); highest among the groups gnomAD compares: South Asian, 0.057%; no homozygotes.

Submissions (3):

Ambry Genetics
Classification: Uncertain significance for Inborn genetic diseases. Last evaluated: 2025-04-10. Review status: criteria provided, single submitter. Criteria: Ambry Variant Classification Scheme 2023. Collection method: clinical testing. Allele origin: germline.

Labcorp Genetics (formerly Invitae), Labcorp
Classification: Uncertain significance. Last evaluated: 2025-03-17. Review status: criteria provided, single submitter. Criteria: Invitae Variant Classification Sherloc (09022015). Collection method: clinical testing. Allele origin: germline.
Comment: This sequence change replaces proline, which is neutral and non-polar, with leucine, which is neutral and non-polar, at codon 1495 of the KIAA1549 protein (p.Pro1495Leu). This variant is present in population databases (rs747587403, gnomAD 0.04%). This variant has not been reported in the literature in individuals affected with KIAA1549-related conditions. ClinVar contains an entry for this variant (Variation ID: 967184). An algorithm developed to predict the effect of missense changes on protein structure and function (PolyPhen-2) suggests that this variant is likely to be disruptive. In summary, the available evidence is currently insufficient to determine the role of this variant in disease. Therefore, it has been classified as a Variant of Uncertain Significance.

Blueprint Genetics
Classification: Uncertain significance. Last evaluated: 2024-11-27. Review status: criteria provided, single submitter. Criteria: ACMG Guidelines, 2015. Collection method: clinical testing. Allele origin: germline.

NM_001164665.2(KIAA1549):c.4484C>T (p.Pro1495Leu)

Gene: KIAA1549 (KIAA1549; minus strand). Cytogenetic location: 7q34.
Variant type: single nucleotide variant.
Coding change: c.4484C>T on transcript NM_001164665.2 (MANE Select); coding-DNA position 4484, C replaced by T.
Protein change: p.Pro1495Leu; replaces proline 1495 with leucine.
Molecular consequence: missense variant.
Genome position (GRCh38, 1-based): chr7:138,871,224, G>A on the plus strand (C>T on the coding strand, the complement: KIAA1549 is on the minus strand). VCF-style: chr7-138871224-G-A. GRCh37 (hg19) VCF-style: chr7-138555970-G-A.
Other names: c.4484C>T, p.Pro1495Leu (NM_020910.3); short protein forms P1495L.
Identifiers: ClinVar variation 967184 (VCV000967184.11), dbSNP rs747587403, ClinGen allele CA4505882.